The following is an entry in ClinVar:

ClinVar aggregate classification (germline): Uncertain significance. Review status: criteria provided, multiple submitters, no conflicts (2 of 4 stars). 2 submissions from 2 submitters: Uncertain significance (2). Last evaluated 2023-07-14.

Conditions:
Epilepsy. Also called: Seizure disorder. Identifiers: MedGen C0014544, MeSH D004827, MONDO:0005027.
Inborn genetic diseases. Identifiers: MedGen C0950123, MeSH D030342.

gnomAD v4.1: 9 of 1,603,010 alleles (0.00056%); highest among the groups gnomAD compares: African/African-American, 0.0053%; no homozygotes.

Submissions (2):

Ambry Genetics
Classification: Uncertain significance for Inborn genetic diseases. Last evaluated: 2023-07-14. Review status: criteria provided, single submitter. Criteria: Ambry Variant Classification Scheme 2023. Collection method: clinical testing. Allele origin: germline.

Labcorp Genetics (formerly Invitae), Labcorp
Classification: Uncertain significance for Epilepsy. Last evaluated: 2022-06-26. Review status: criteria provided, single submitter. Criteria: Invitae Variant Classification Sherloc (09022015). Collection method: clinical testing. Allele origin: germline.
Comment: This sequence change replaces arginine, which is basic and polar, with tryptophan, which is neutral and slightly polar, at codon 206 of the PIGQ protein (p.Arg206Trp). This variant is present in population databases (no rsID available, gnomAD 0.005%). This variant has not been reported in the literature in individuals affected with PIGQ-related conditions. Algorithms developed to predict the effect of missense changes on protein structure and function are either unavailable or do not agree on the potential impact of this missense change (SIFT: "Deleterious"; PolyPhen-2: "Possibly Damaging"; Align-GVGD: "Class C0"). In summary, the available evidence is currently insufficient to determine the role of this variant in disease. Therefore, it has been classified as a Variant of Uncertain Significance.

NM_004204.5(PIGQ):c.616A>T (p.Arg206Trp)

Gene: PIGQ (phosphatidylinositol glycan anchor biosynthesis class Q; plus strand). Cytogenetic location: 16p13.3.
Variant type: single nucleotide variant.
Coding change: c.616A>T on transcript NM_004204.5 (MANE Select); coding-DNA position 616, A replaced by T.
Protein change: p.Arg206Trp; replaces arginine 206 with tryptophan.
Molecular consequence: missense variant.
Genome position (GRCh38, 1-based): chr16:574,690, A>T. VCF-style: chr16-574690-A-T. GRCh37 (hg19) VCF-style: chr16-624690-A-T.
Other names: c.616A>T (NM_148920.1); c.616A>T, p.Arg206Trp (NM_148920.4); short protein forms R206W.
Identifiers: ClinVar variation 2082782 (VCV002082782.3), dbSNP rs373314884, ClinGen allele CA276482311.
Genomic context (GRCh38, chr16:574,690, plus strand): 5'-GTGCGGCTGAGCCACTGGCAGTCGGAGGGCGTGGAGGCCAGCATCCTCGCGGAGCTGGCC[A>T]GGCGAGCCTCGGGACCCATTTGCCTGCTGTTGGCCAGCCTGCTGTCGCTGGTCTCAGCTG-3'
Protein context (NP_004195.2, residues 196-216): VEASILAELA[Arg206Trp]RASGPICLLL